The following is an entry in ClinVar:

NM_000263.4(NAGLU):c.1538A>G (p.Asn513Ser)

Gene: NAGLU (N-acetyl-alpha-glucosaminidase; plus strand). Cytogenetic location: 17q21.2.
Variant type: single nucleotide variant.
Coding change: c.1538A>G on transcript NM_000263.4 (MANE Select); coding-DNA position 1538, A replaced by G.
Protein change: p.Asn513Ser; replaces asparagine 513 with serine.
Molecular consequence: missense variant.
Genome position (GRCh38, 1-based): chr17:42,543,544, A>G. VCF-style: chr17-42543544-A-G. GRCh37 (hg19) VCF-style: chr17-40695562-A-G.
Other names: short protein forms N513S.
Identifiers: ClinVar variation 2081751 (VCV002081751.1), dbSNP rs200465065, ClinGen allele CA8577047.

ClinVar aggregate classification (germline): Uncertain significance (1 of 4 stars; one submission).

Conditions:
Charcot-Marie-Tooth disease axonal type 2V. Also called: CHARCOT-MARIE-TOOTH NEUROPATHY, TYPE 2V; CHARCOT-MARIE-TOOTH DISEASE, AXONAL, AUTOSOMAL DOMINANT, TYPE 2V. Identifiers: Orphanet 447964, MedGen C5569050, MONDO:0014665, OMIM 616491.
Mucopolysaccharidosis, MPS-III-B (MPS3B). Also called: N-ACETYL-ALPHA-D-GLUCOSAMINIDASE DEFICIENCY; NAGLU DEFICIENCY; SANFILIPPO SYNDROME B; MPS III B; MUCOPOLYSACCHARIDOSIS, TYPE IIIB; MPS IIIB (Sanfilippo Syndrome Type B). Identifiers: Orphanet 79270, MedGen C0086648, MONDO:0009656, OMIM 252920.

Allele frequency attached by ClinVar (database versions not stated): gnomAD 0.00001; 1000 Genomes Project 30x 0.00016; ExAC 0.00001; TOPMed 0.00003; 1000 Genomes Project 0.00020.

Submission:

Labcorp Genetics (formerly Invitae), Labcorp
Classification: Uncertain significance for Charcot-Marie-Tooth disease axonal type 2V; Mucopolysaccharidosis, MPS-III-B. Last evaluated: 2022-08-25. Review status: criteria provided, single submitter. Criteria: Invitae Variant Classification Sherloc (09022015). Collection method: clinical testing. Allele origin: germline.
Comment: This sequence change replaces asparagine, which is neutral and polar, with serine, which is neutral and polar, at codon 513 of the NAGLU protein (p.Asn513Ser). This variant is present in population databases (rs200465065, gnomAD 0.006%). This variant has not been reported in the literature in individuals affected with NAGLU-related conditions. Advanced modeling of protein sequence and biophysical properties (such as structural, functional, and spatial information, amino acid conservation, physicochemical variation, residue mobility, and thermodynamic stability) performed at Invitae indicates that this missense variant is expected to disrupt NAGLU protein function. Experimental studies have shown that this missense change affects NAGLU function (PMID: 29979746). In summary, the available evidence is currently insufficient to determine the role of this variant in disease. Therefore, it has been classified as a Variant of Uncertain Significance.

Literature cited by the submitters: PubMed 29979746.